The following is an entry in ClinVar:

ClinVar aggregate classification (germline): Uncertain significance (1 of 4 stars; one submission).

Conditions:
Spermatogenic failure 18. Identifiers: MedGen C4539783, MONDO:0054615, OMIM 617576.
Ciliary dyskinesia, primary, 37 (CILD37). Also called: CILIARY DYSKINESIA, PRIMARY, 37, WITH OR WITHOUT SITUS INVERSUS. Identifiers: MedGen C4539798, MONDO:0033204, OMIM 617577.

Submission:

Labcorp Genetics (formerly Invitae), Labcorp
Classification: Uncertain significance for Ciliary dyskinesia, primary, 37; Spermatogenic failure 18. Last evaluated: 2019-01-04. Review status: criteria provided, single submitter. Criteria: Invitae Variant Classification Sherloc (09022015). Collection method: clinical testing. Allele origin: germline.
Comment: This sequence change replaces aspartic acid with tyrosine at codon 1964 of the DNAH1 protein (p.Asp1964Tyr). The aspartic acid residue is highly conserved and there is a large physicochemical difference between aspartic acid and tyrosine. This variant is not present in population databases (ExAC no frequency). This variant has not been reported in the literature in individuals with DNAH1-related conditions. Algorithms developed to predict the effect of missense changes on protein structure and function are either unavailable or do not agree on the potential impact of this missense change (SIFT: "Deleterious"; PolyPhen-2: "not available"; Align-GVGD: "Class C65"). In summary, the available evidence is currently insufficient to determine the role of this variant in disease. Therefore, it has been classified as a Variant of Uncertain Significance.

NM_015512.5(DNAH1):c.5889_5890delinsCT (p.Asp1964Tyr)

Gene: DNAH1 (dynein axonemal heavy chain 1; plus strand). Cytogenetic location: 3p21.1.
Variant type: Indel.
Coding change: c.5889_5890delinsCT on transcript NM_015512.5 (MANE Select); coding-DNA positions 5889 to 5890, GG replaced by CT.
Protein change: p.Asp1964Tyr; replaces aspartic acid 1964 with tyrosine.
Molecular consequence: missense variant.
Genome position (GRCh38, 1-based): chr3:52,368,864-52,368,865, GG replaced by CT. VCF-style: chr3-52368864-GG-CT. GRCh37 (hg19) VCF-style: chr3-52402880-GG-CT.
Other names: short protein forms D1964Y.
Identifiers: ClinVar variation 860085 (VCV000860085.5), dbSNP rs1703197233, ClinGen allele CA916082580.